The following is an entry in ClinVar:

NM_000372.5(TYR):c.112C>A (p.Pro38Thr)

Gene: TYR (tyrosinase; plus strand). Cytogenetic location: 11q14.3.
Variant type: single nucleotide variant.
Coding change: c.112C>A on transcript NM_000372.5 (MANE Select); coding-DNA position 112, C replaced by A.
Protein change: p.Pro38Thr; replaces proline 38 with threonine.
Molecular consequence: missense variant.
Genome position (GRCh38, 1-based): chr11:89,178,065, C>A. VCF-style: chr11-89178065-C-A. GRCh37 (hg19) VCF-style: chr11-88911233-C-A.
Other names: short protein forms P38T.
Identifiers: ClinVar variation 1434645 (VCV001434645.6), dbSNP rs61759520, ClinGen allele CA6221040.

ClinVar aggregate classification (germline): Uncertain significance (1 of 4 stars; one submission).

Allele frequency attached by ClinVar (database versions not stated): gnomAD exomes 0.00001 and 0.00002; ExAC 0.00002; gnomAD 0.00002; TOPMed 0.00005.
gnomAD v4.1: 21 of 1,614,116 alleles (0.0013%); highest among the groups gnomAD compares: Admixed American, 0.01%; no homozygotes.

Submission:

Labcorp Genetics (formerly Invitae), Labcorp
Classification: Uncertain significance. Last evaluated: 2022-08-11. Review status: criteria provided, single submitter. Criteria: Invitae Variant Classification Sherloc (09022015). Collection method: clinical testing. Allele origin: germline.
Comment: This sequence change replaces proline, which is neutral and non-polar, with threonine, which is neutral and polar, at codon 38 of the TYR protein (p.Pro38Thr). This variant is present in population databases (rs61759520, gnomAD 0.01%). This variant has not been reported in the literature in individuals affected with TYR-related conditions. ClinVar contains an entry for this variant (Variation ID: 1434645). Advanced modeling of protein sequence and biophysical properties (such as structural, functional, and spatial information, amino acid conservation, physicochemical variation, residue mobility, and thermodynamic stability) performed at Invitae indicates that this missense variant is not expected to disrupt TYR protein function. In summary, the available evidence is currently insufficient to determine the role of this variant in disease. Therefore, it has been classified as a Variant of Uncertain Significance.